The following is an entry in ClinVar:

NM_201525.4(ADGRG1):c.621-5G>A

Gene: ADGRG1 (adhesion G protein-coupled receptor G1; plus strand). Cytogenetic location: 16q21.
Variant type: single nucleotide variant.
Coding change: c.621-5G>A on transcript NM_201525.4 (MANE Select); 5 bases into the intron before coding-DNA position 621, G replaced by A.
Molecular consequence: intron variant.
Genome position (GRCh38, 1-based): chr16:57,653,981, G>A. VCF-style: chr16-57653981-G-A. GRCh37 (hg19) VCF-style: chr16-57687893-G-A.
Other names: c.621-5G>A (NM_001370440.1, NM_001370428.1, NM_001370436.1 and 16 more transcripts); c.111-5G>A (NM_001290142.2); c.96-5G>A (NM_001370451.1, NM_001290143.2, NM_001370453.1 and 2 more transcripts); c.465-5G>A (NM_001370442.1); c.636-5G>A (NM_001370433.1, NM_001145773.3).
Identifiers: ClinVar variation 765895 (VCV000765895.14), dbSNP rs202245406, ClinGen allele CA8078460.

ClinVar aggregate classification (germline): Benign. Review status: criteria provided, single submitter (1 of 4 stars). 3 submissions from 3 submitters: Benign (1). 2 of the submissions do not count toward it. Last evaluated 2026-01-22.

Conditions:
Bilateral frontoparietal polymicrogyria. Also called: CORTICAL DYSPLASIA, COMPLEX, WITH OTHER BRAIN MALFORMATIONS 14A (BILATERAL FRONTOPARIETAL); CEREBELLAR ATAXIA WITH NEURONAL MIGRATION DEFECT. Identifiers: Orphanet 101070, MedGen C1847352, MONDO:0011738, OMIM 606854.
ADGRG1-related disorder. Also called: ADGRG1-related condition.

Allele frequency attached by ClinVar (database versions not stated): gnomAD 0.00001 and 0.00006; TOPMed 0.00004; gnomAD exomes 0.00013 and 0.00031; ExAC 0.00031; 1000 Genomes Project 30x 0.00094; 1000 Genomes Project 0.00120.
gnomAD v4.1: 203 of 1,613,810 alleles (0.013%); highest among the groups gnomAD compares: South Asian, 0.16%; 1 homozygote.

Submissions (3):

Labcorp Genetics (formerly Invitae), Labcorp
Classification: Benign. Last evaluated: 2026-01-22. Review status: criteria provided, single submitter. Criteria: Invitae Variant Classification Sherloc (09022015). Collection method: clinical testing. Allele origin: germline.

Natera, Inc.
Classification: Uncertain significance for Bilateral frontoparietal polymicrogyria. Last evaluated: 2020-01-24. Review status: no assertion criteria provided. Collection method: clinical testing. Allele origin: germline. Not counted in ClinVar's aggregate classification.

PreventionGenetics, part of Exact Sciences
Classification: Likely benign for ADGRG1-related condition. Last evaluated: 2019-05-28. Review status: no assertion criteria provided. Collection method: clinical testing. Allele origin: germline. Not counted in ClinVar's aggregate classification.
Comment: This variant is classified as likely benign based on ACMG/AMP sequence variant interpretation guidelines (Richards et al. 2015 PMID: 25741868, with internal and published modifications).